The following is an entry in ClinVar:

ClinVar aggregate classification (germline): Conflicting classifications of pathogenicity. Review status: criteria provided, conflicting classifications (1 of 4 stars). 3 submissions from 3 submitters: Uncertain significance (2); Likely benign (1). Last evaluated 2026-02-03.

Conditions:
Inborn genetic diseases. Identifiers: MedGen C0950123, MeSH D030342.
Spermatogenic failure 28. Identifiers: MedGen C4748117, MONDO:0054732, OMIM 618086.
Premature ovarian failure 15. Identifiers: MedGen C4748170, MONDO:0054862, OMIM 618096.
Fanconi anemia (FA). Also called: Fanconi's anemia. Identifiers: Orphanet 84, MedGen C0015625, MeSH D005199, MONDO:0019391.

Allele frequency attached by ClinVar (database versions not stated): gnomAD exomes 0.00001 and 0.00004; ExAC 0.00002; gnomAD 0.00002; TOPMed 0.00002.
gnomAD v4.1: 11 of 1,613,736 alleles (0.00068%); highest among the groups gnomAD compares: East Asian, 0.022%; no homozygotes.

Submissions (3):

Labcorp Genetics (formerly Invitae), Labcorp
Classification: Uncertain significance for Fanconi anemia. Last evaluated: 2026-02-03. Review status: criteria provided, single submitter. Criteria: Invitae Variant Classification Sherloc (09022015). Collection method: clinical testing. Allele origin: germline.
Comment: This sequence change replaces valine, which is neutral and non-polar, with isoleucine, which is neutral and non-polar, at codon 990 of the FANCM protein (p.Val990Ile). This variant is present in population databases (rs772477865, gnomAD 0.05%). This missense change has been observed in individual(s) with breast and gastric cancer (PMID: 34326862). ClinVar contains an entry for this variant (Variation ID: 641222). An algorithm developed to predict the effect of missense changes on protein structure and function (PolyPhen-2) suggests that this variant is likely to be disruptive. In summary, the available evidence is currently insufficient to determine the role of this variant in disease. Therefore, it has been classified as a Variant of Uncertain Significance.

Ambry Genetics
Classification: Likely benign for Inborn genetic diseases. Last evaluated: 2024-03-21. Review status: criteria provided, single submitter. Criteria: Ambry Variant Classification Scheme 2023. Collection method: clinical testing. Allele origin: germline.

Fulgent Genetics
Classification: Uncertain significance for Spermatogenic failure 28; Premature ovarian failure 15. Last evaluated: 2021-08-16. Review status: criteria provided, single submitter. Criteria: ACMG Guidelines, 2015. Collection method: clinical testing. Allele origin: unknown.

Literature cited by the submitters: PubMed 34326862 (cited by Labcorp Genetics (formerly Invitae), Labcorp).

NM_020937.4(FANCM):c.2968G>A (p.Val990Ile)

Gene: FANCM (FA complementation group M; plus strand). Cytogenetic location: 14q21.2.
Variant type: single nucleotide variant.
Coding change: c.2968G>A on transcript NM_020937.4 (MANE Select); coding-DNA position 2968, G replaced by A.
Protein change: p.Val990Ile; replaces valine 990 with isoleucine.
Molecular consequence: missense variant.
Genome position (GRCh38, 1-based): chr14:45,175,722, G>A. VCF-style: chr14-45175722-G-A. GRCh37 (hg19) VCF-style: chr14-45644925-G-A.
Other names: c.2968G>A (LRG_502t1); c.2890G>A, p.Val964Ile (NM_001308133.2); short protein forms V964I, V990I.
Identifiers: ClinVar variation 641222 (VCV000641222.10), dbSNP rs772477865, ClinGen allele CA7169435.